The following is an entry in ClinVar:

ClinVar aggregate classification (germline): Uncertain significance (1 of 4 stars; one submission).

Conditions:
Progressive myoclonic epilepsy. Also called: Progressive myoclonus epilepsy; Familial progressive myoclonic epilepsy; Myoclonic Epilepsies, Progressive; Myoclonus epilepsy. Identifiers: Orphanet 308, Orphanet 98261, MedGen C0751778, MONDO:0020074.

Submission:

Labcorp Genetics (formerly Invitae), Labcorp
Classification: Uncertain significance for Progressive myoclonic epilepsy. Last evaluated: 2023-07-17. Review status: criteria provided, single submitter. Criteria: Invitae Variant Classification Sherloc (09022015). Collection method: clinical testing. Allele origin: germline.
Comment: This variant, c.194_214dup, results in the insertion of 7 amino acid(s) of the EPM2A protein (p.Glu65_Ala71dup), but otherwise preserves the integrity of the reading frame. This variant is not present in population databases (gnomAD no frequency). In summary, the available evidence is currently insufficient to determine the role of this variant in disease. Therefore, it has been classified as a Variant of Uncertain Significance. ClinVar contains an entry for this variant (Variation ID: 1942962). This variant has not been reported in the literature in individuals affected with EPM2A-related conditions.

NM_005670.4(EPM2A):c.194_214dup (p.Ala71_Ala72insGluLeuAlaAlaGluGluAla)

Genes: EPM2A (EPM2A glucan phosphatase, laforin; minus strand), EPM2A-DT (EPM2A divergent transcript; plus strand), LOC129997381 (ATAC-STARR-seq lymphoblastoid silent region 17642; plus strand). Cytogenetic location: 6q24.3.
Variant type: Duplication.
Coding change: c.194_214dup on transcript NM_005670.4 (MANE Select); coding-DNA positions 194 to 214, 21 bases duplicated (AGCTGGCGGCCGAGGAGGCGG).
Protein change: p.Ala71_Ala72insGluLeuAlaAlaGluGluAla.
Molecular consequence: inframe insertion. On other transcripts: 5 prime UTR variant (3), intron variant (1).
Genome position (GRCh38, 1-based): chr6:145,735,285-145,735,305, CCGCCTCCTCGGCCGCCAGCT duplicated on the plus strand (AGCTGGCGGCCGAGGAGGCGG on the coding strand, the reverse complement: EPM2A is on the minus strand); duplicating any 21 consecutive bases within chr6:145,735,285-145,735,307 gives the same sequence; the c. name uses the placement nearest the transcript's 3' end. VCF-style (leftmost placement, unchanged base first): chr6-145735284-G-GCCGCCTCCTCGGCCGCCAGCT. GRCh37 (hg19) VCF-style: chr6-146056420-G-GCCGCCTCCTCGGCCGCCAGCT.
Other names: c.194_214dup, p.Ala71_Ala72insGluLeuAlaAlaGluGluAla (NM_001018041.2, NM_001360057.2, NM_001368130.1); c.-476_-456dup (NM_001360071.2); c.-430_-410dup (NM_001368129.2); c.-174_-154dup (NM_001368131.1); c.-114+603_-114+623dup (NM_001360064.2).
Identifiers: ClinVar variation 1942962 (VCV001942962.4), dbSNP rs2534172890, ClinGen allele CA2532269167.
Genomic context (GRCh38, chr6:145,735,284, plus strand): 5'-TCCCGCTTCAGGAACTTGTACCAGAACGTGTCCACGCGGCCCGGCTCCGCCCCGTCCTGC[G>GCCGCCTCCTCGGCCGCCAGCT]CCGCCTCCTCGGCCGCCAGCTCCACCTCCCCGAGCCACAGGCCCGGCTCCTGCAGGGCCA-3'